The following is an entry in ClinVar:

NM_001379200.1(TBX1):c.109C>A (p.Pro37Thr)

Gene: TBX1 (T-box transcription factor 1; plus strand). Cytogenetic location: 22q11.21.
Variant type: single nucleotide variant.
Coding change: c.109C>A on transcript NM_001379200.1 (MANE Select); coding-DNA position 109, C replaced by A.
Protein change: p.Pro37Thr; replaces proline 37 with threonine.
Molecular consequence: missense variant.
Genome position (GRCh38, 1-based): chr22:19,760,952, C>A. VCF-style: chr22-19760952-C-A. GRCh37 (hg19) VCF-style: chr22-19748475-C-A.
Other names: c.82C>A, p.Pro28Thr (NM_005992.1, NM_080646.2, NM_080647.1); short protein forms P28T, P37T.
Identifiers: ClinVar variation 1486103 (VCV001486103.6), dbSNP rs2145827634, ClinGen allele CA410681170.

ClinVar aggregate classification (germline): Uncertain significance (1 of 4 stars; one submission).

Conditions:
DiGeorge syndrome. Also called: THIRD AND FOURTH PHARYNGEAL POUCH SYNDROME; Catch22. Identifiers: Orphanet 567, MedGen C0012236, MONDO:0008564, OMIM 188400.

Submission:

Labcorp Genetics (formerly Invitae), Labcorp
Classification: Uncertain significance for DiGeorge syndrome. Last evaluated: 2024-07-01. Review status: criteria provided, single submitter. Criteria: Invitae Variant Classification Sherloc (09022015). Collection method: clinical testing. Allele origin: germline.
Comment: This sequence change replaces proline, which is neutral and non-polar, with threonine, which is neutral and polar, at codon 28 of the TBX1 protein (p.Pro28Thr). The frequency data for this variant in the population databases is considered unreliable, as metrics indicate insufficient coverage at this position in the gnomAD database. This variant has not been reported in the literature in individuals affected with TBX1-related conditions. ClinVar contains an entry for this variant (Variation ID: 1486103). Experimental studies and prediction algorithms are not available or were not evaluated, and the functional significance of this variant is currently unknown. In summary, the available evidence is currently insufficient to determine the role of this variant in disease. Therefore, it has been classified as a Variant of Uncertain Significance.